The following is an entry in ClinVar:

ClinVar aggregate classification (germline): Likely pathogenic (1 of 4 stars; one submission).

Conditions:
Marfan syndrome (MFS). Also called: FBN1-Related Marfan Syndrome; MARFAN SYNDROME, TYPE I; Marfan syndrome type 1; Marfan's syndrome; Marfan syndrome, classic. Identifiers: Orphanet 284963, Orphanet 558, MedGen C0024796, MONDO:0007947, OMIM 154700.
Familial thoracic aortic aneurysm and aortic dissection (TAAD). Also called: Thoracic aortic aneurysms and dissections. Identifiers: Orphanet 91387, MedGen C4707243, MONDO:0019625.

Submission:

Labcorp Genetics (formerly Invitae), Labcorp
Classification: Likely pathogenic for Marfan syndrome; Familial thoracic aortic aneurysm and aortic dissection. Last evaluated: 2026-01-14. Review status: criteria provided, single submitter. Criteria: Invitae Variant Classification Sherloc (09022015). Collection method: clinical testing. Allele origin: germline.
Comment: This sequence change replaces cysteine, which is neutral and slightly polar, with arginine, which is basic and polar, at codon 2363 of the FBN1 protein (p.Cys2363Arg). This variant is not present in population databases (gnomAD no frequency). This missense change has been observed in individual(s) with Marfan syndrome (PMID: 25652356). Invitae Evidence Modeling of protein sequence and biophysical properties (such as structural, functional, and spatial information, amino acid conservation, physicochemical variation, residue mobility, and thermodynamic stability) indicates that this missense variant is expected to disrupt FBN1 protein function with a positive predictive value of 95%. This variant affects a cysteine residue in the EGF-like, TGFBP or hybrid motif domains of FBN1. Cysteine residues are believed to be involved in intramolecular disulfide bridges and have been shown to be important for FBN1 protein structure (PMID: 16905551, 19349279). In addition, missense substitutions affecting cysteine residues within these domains are significantly overrepresented among patients with Marfan syndrome (PMID: 16571647, 17701892). This variant disrupts the p.Cys2363 amino acid residue in FBN1. Other variant(s) that disrupt this residue have been observed in individuals with FBN1-related conditions (internal data), which suggests that this may be a clinically significant amino acid residue. In summary, the currently available evidence indicates that the variant is pathogenic, but additional data are needed to prove that conclusively. Therefore, this variant has been classified as Likely Pathogenic.

Literature cited by the submitters: PubMed 25652356; PubMed 16905551; PubMed 19349279; PubMed 16571647; PubMed 17701892.

NM_000138.5(FBN1):c.7087T>C (p.Cys2363Arg)

Gene: FBN1 (fibrillin 1; minus strand). Cytogenetic location: 15q21.1.
Variant type: single nucleotide variant.
Coding change: c.7087T>C on transcript NM_000138.5 (MANE Select); coding-DNA position 7087, T replaced by C.
Protein change: p.Cys2363Arg; replaces cysteine 2363 with arginine.
Molecular consequence: missense variant.
Genome position (GRCh38, 1-based): chr15:48,427,684, A>G on the plus strand (T>C on the coding strand, the complement: FBN1 is on the minus strand). VCF-style: chr15-48427684-A-G. GRCh37 (hg19) VCF-style: chr15-48719881-A-G.
Other names: c.7087T>C, p.Cys2363Arg (NM_001406716.1); short protein forms C2363R.
Identifiers: ClinVar variation 4783788 (VCV004783788.1).
Genomic context (GRCh38, chr15:48,427,684, plus strand): 5'-TCCCCTGGAAAGGGCAGATCTCACAGTGGGGACCCCAGCCTCTCCCTCCGTCACAGCAGC[A>G]TTCCGATTTGGTGACGGGGTTCCTGTTGCTGGAGCCGATCTGACACATGTTTTGTAGCAC-3'
Protein context (NP_000129.3, residues 2353-2373): SNRNPVTKSE[Cys2363Arg]CCDGGRGWGP